The following is an entry in ClinVar:

ClinVar aggregate classification (germline): Uncertain significance (1 of 4 stars; one submission).

gnomAD v4.1: 3 of 1,613,438 alleles (0.00019%); highest among the groups gnomAD compares: Admixed American, 0.0033%; no homozygotes.

Submission:

Labcorp Genetics (formerly Invitae), Labcorp
Classification: Uncertain significance. Last evaluated: 2025-12-01. Review status: criteria provided, single submitter. Criteria: Invitae Variant Classification Sherloc (09022015). Collection method: clinical testing. Allele origin: germline.
Comment: This sequence change replaces glycine, which is neutral and non-polar, with arginine, which is basic and polar, at codon 149 of the ZIC4 protein (p.Gly149Arg). This variant is not present in population databases (gnomAD no frequency). This variant has not been reported in the literature in individuals affected with ZIC4-related conditions. ClinVar contains an entry for this variant (Variation ID: 2879459). An algorithm developed to predict the effect of missense changes on protein structure and function (PolyPhen-2) suggests that this variant is likely to be disruptive. In summary, the available evidence is currently insufficient to determine the role of this variant in disease. Therefore, it has been classified as a Variant of Uncertain Significance.

NM_032153.6(ZIC4):c.295G>A (p.Gly99Arg)

Gene: ZIC4 (Zic family zinc finger 4; minus strand). Cytogenetic location: 3q24.
Variant type: single nucleotide variant.
Coding change: c.295G>A on transcript NM_032153.6 (MANE Select); coding-DNA position 295, G replaced by A.
Protein change: p.Gly99Arg; replaces glycine 99 with arginine.
Molecular consequence: missense variant. On other transcripts: intron variant (1).
Genome position (GRCh38, 1-based): chr3:147,396,245, C>T on the plus strand (G>A on the coding strand, the complement: ZIC4 is on the minus strand). VCF-style: chr3-147396245-C-T. GRCh37 (hg19) VCF-style: chr3-147114032-C-T.
Other names: c.445G>A, p.Gly149Arg (NM_001168378.1); c.409G>A, p.Gly137Arg (NM_001168379.2); c.71-4999G>A (NM_001243256.2); short protein forms G99R, G137R, G149R.
Identifiers: ClinVar variation 2879459 (VCV002879459.3), dbSNP rs34676558, ClinGen allele CA354893048.